The following is an entry in ClinVar:

NM_002334.4(LRP4):c.4175A>G (p.Tyr1392Cys)

Gene: LRP4 (LDL receptor related protein 4; minus strand). Cytogenetic location: 11p11.2.
Variant type: single nucleotide variant.
Coding change: c.4175A>G on transcript NM_002334.4 (MANE Select); coding-DNA position 4175, A replaced by G.
Protein change: p.Tyr1392Cys; replaces tyrosine 1392 with cysteine.
Molecular consequence: missense variant.
Genome position (GRCh38, 1-based): chr11:46,874,854, T>C on the plus strand (A>G on the coding strand, the complement: LRP4 is on the minus strand). VCF-style: chr11-46874854-T-C. GRCh37 (hg19) VCF-style: chr11-46896405-T-C.
Other names: short protein forms Y1392C.
Identifiers: ClinVar variation 1524630 (VCV001524630.6), dbSNP rs2134793655, ClinGen allele CA380270395.
Genomic context (GRCh38, chr11:46,874,854, plus strand): 5'-TCATACCTGATAACATCCAGGAACACATCTGTGTAATAGACCTTTCCATCCACGCTGTCA[T>C]AGTCCAGGGAGATGACATTGTTGAGCTCAGGAACAGGGACATGCACATCGGTGTGGTCAC-3'
Protein context (NP_002325.2, residues 1382-1402): PELNNVISLD[Tyr1392Cys]DSVDGKVYYT

ClinVar aggregate classification (germline): Uncertain significance (1 of 4 stars; one submission).

Conditions:
Sclerosteosis 2 (SOST2). Identifiers: Orphanet 3152, MedGen C3280402, MONDO:0013679, OMIM 614305.
Congenital myasthenic syndrome 17. Identifiers: Orphanet 590, MedGen C4225377, MONDO:0014578, OMIM 616304.
Cenani-Lenz syndactyly syndrome. Also called: SYNDACTYLY, TYPE VII; CENANI SYNDACTYLISM. Identifiers: Orphanet 3258, MedGen C1859309, MONDO:0008931, OMIM 212780.

Allele frequency attached by ClinVar (database versions not stated): gnomAD 0.00001.
gnomAD v4.1: 1 of 1,614,190 alleles (0.000062%); highest among the groups gnomAD compares: East Asian, 0.0022%; no homozygotes.

Submission:

Labcorp Genetics (formerly Invitae), Labcorp
Classification: Uncertain significance for Cenani-Lenz syndactyly syndrome; Sclerosteosis 2; Congenital myasthenic syndrome 17. Last evaluated: 2021-08-06. Review status: criteria provided, single submitter. Criteria: Invitae Variant Classification Sherloc (09022015). Collection method: clinical testing. Allele origin: germline.
Comment: This variant has not been reported in the literature in individuals affected with LRP4-related conditions. This sequence change replaces tyrosine with cysteine at codon 1392 of the LRP4 protein (p.Tyr1392Cys). The tyrosine residue is highly conserved and there is a large physicochemical difference between tyrosine and cysteine. This variant is not present in population databases (ExAC no frequency). Algorithms developed to predict the effect of missense changes on protein structure and function (SIFT, PolyPhen-2, Align-GVGD) all suggest that this variant is likely to be disruptive. In summary, the available evidence is currently insufficient to determine the role of this variant in disease. Therefore, it has been classified as a Variant of Uncertain Significance.